The following is an entry in ClinVar:

ClinVar aggregate classification (germline): Likely benign. Review status: criteria provided, multiple submitters, no conflicts (2 of 4 stars). 5 submissions from 5 submitters: Likely benign (5). Last evaluated 2026-03-01.

Conditions:
Loeys-Dietz syndrome 4 (LDS4). Also called: ANEURYSM, AORTIC AND CEREBRAL, WITH ARTERIAL TORTUOSITY AND SKELETAL MANIFESTATIONS; TGFB2-Related Loeys-Dietz Syndrome. Identifiers: MedGen C3553762, MONDO:0013897, OMIM 614816.
Familial thoracic aortic aneurysm and aortic dissection (TAAD). Also called: Thoracic aortic aneurysms and dissections. Identifiers: Orphanet 91387, MedGen C4707243, MONDO:0019625.

Allele frequency attached by ClinVar (database versions not stated): ExAC 0.00001; gnomAD exomes 0.00001 and 0.00003; gnomAD 0.00012 and 0.00011; TOPMed 0.00015.
gnomAD v4.1: 32 of 1,613,416 alleles (0.002%); highest among the groups gnomAD compares: Admixed American, 0.047%; no homozygotes.

Submissions (5):

CeGaT Center for Human Genetics Tuebingen
Classification: Likely benign. Last evaluated: 2026-03-01. Review status: criteria provided, single submitter. Criteria: CeGaT Center For Human Genetics Tuebingen Variant Classification Criteria Version 2. Collection method: clinical testing. Allele origin: germline. Affected: yes. Observed: 1 variant allele.
Comment: TGFB2: BP4, BP7

Ambry Genetics
Classification: Likely benign for Familial thoracic aortic aneurysm and aortic dissection. Last evaluated: 2026-02-19. Review status: criteria provided, single submitter. Criteria: Ambry Variant Classification Scheme 2023. Collection method: clinical testing. Allele origin: germline.

Labcorp Genetics (formerly Invitae), Labcorp
Classification: Likely benign for Loeys-Dietz syndrome 4. Last evaluated: 2025-11-17. Review status: criteria provided, single submitter. Criteria: Invitae Variant Classification Sherloc (09022015). Collection method: clinical testing. Allele origin: germline.

Women's Health and Genetics/Laboratory Corporation of America, LabCorp
Classification: Likely benign. Last evaluated: 2023-12-13. Review status: criteria provided, single submitter. Criteria: LabCorp Variant Classification Summary - May 2015. Collection method: clinical testing. Allele origin: germline.

GeneDx
Classification: Likely benign. Last evaluated: 2020-12-16. Review status: criteria provided, single submitter. Criteria: GeneDx Variant Classification Process June 2021. Collection method: clinical testing. Allele origin: germline. Affected: yes.

NM_003238.6(TGFB2):c.648G>A (p.Arg216=)

Gene: TGFB2 (transforming growth factor beta 2; plus strand). Cytogenetic location: 1q41.
Variant type: single nucleotide variant.
Coding change: c.648G>A on transcript NM_003238.6 (MANE Select); coding-DNA position 648, G replaced by A.
Protein change: p.Arg216=; no amino-acid change (arginine 216 retained).
Molecular consequence: synonymous variant. On other transcripts: non-coding transcript variant (2).
Genome position (GRCh38, 1-based): chr1:218,434,342, G>A. VCF-style: chr1-218434342-G-A. GRCh37 (hg19) VCF-style: chr1-218607684-G-A.
Other names: c.732G>A, p.Arg244= (NM_001135599.4).
Identifiers: ClinVar variation 1100288 (VCV001100288.19), dbSNP rs767503001, ClinGen allele CA1398581.